The following is an entry in ClinVar:

ClinVar aggregate classification (germline): Likely benign. Review status: criteria provided, multiple submitters, no conflicts (2 of 4 stars). 2 submissions from 2 submitters: Likely benign (2). Last evaluated 2025-02-20.

Conditions:
Breast-ovarian cancer, familial, susceptibility to, 4. Identifiers: Orphanet 145, MedGen C3280345, MONDO:0013669, OMIM 614291.

Submissions (2):

Myriad Genetics, Inc.
Classification: Likely benign for Breast-ovarian cancer, familial, susceptibility to, 4. Last evaluated: 2025-02-20. Review status: criteria provided, single submitter. Criteria: Myriad Autosomal Dominant, Autosomal Recessive and X-Linked Classification Criteria (2023). Collection method: clinical testing. Allele origin: unknown.
Comment: This variant is considered likely benign. This variant is intronic and is not expected to impact mRNA splicing.

Labcorp Genetics (formerly Invitae), Labcorp
Classification: Likely benign for Breast-ovarian cancer, familial, susceptibility to, 4. Last evaluated: 2023-07-07. Review status: criteria provided, single submitter. Criteria: Invitae Variant Classification Sherloc (09022015). Collection method: clinical testing. Allele origin: germline.

NM_002878.4(RAD51D):c.264-18del

Genes: RAD51L3-RFFL (RAD51L3-RFFL readthrough; minus strand), RAD51D (RAD51 paralog D; minus strand). Cytogenetic location: 17q12.
Variant type: Deletion.
Coding change: c.264-18del on transcript NM_002878.4 (MANE Select); 18 bases into the intron before coding-DNA position 264, one base deleted (C; older notation c.264-18delC).
Molecular consequence: intron variant.
Genome position (GRCh38, 1-based): chr17:35,107,465, G deleted on the plus strand (C on the coding strand, the reverse complement: RAD51D is on the minus strand). VCF-style (leftmost placement, unchanged base first): chr17-35107464-AG-A. GRCh37 (hg19) VCF-style: chr17-33434483-AG-A.
Other names: c.145-984del (NM_133629.3); c.324-18del (NM_001142571.2).
Identifiers: ClinVar variation 2092886 (VCV002092886.5), dbSNP rs2509143596, ClinGen allele CA2580093251.